The following is an entry in ClinVar:

ClinVar aggregate classification (germline): Likely benign (0 of 4 stars; one submission).

Conditions:
SEMA3C-related disorder. Also called: SEMA3C-related condition.

Allele frequency attached by ClinVar (database versions not stated): gnomAD exomes below 0.00001; gnomAD 0.00001; TOPMed 0.00001.
gnomAD v4.1: 7 of 1,596,804 alleles (0.00044%); highest among the groups gnomAD compares: Admixed American, 0.0087%; no homozygotes.

Submission:

PreventionGenetics, part of Exact Sciences
Classification: Likely benign for SEMA3C-related condition. Last evaluated: 2023-02-15. Review status: no assertion criteria provided. Collection method: clinical testing. Allele origin: germline.
Comment: This variant is classified as likely benign based on ACMG/AMP sequence variant interpretation guidelines (Richards et al. 2015 PMID: 25741868, with internal and published modifications).

NM_006379.5(SEMA3C):c.555T>C (p.Ser185=)

Gene: SEMA3C (semaphorin 3C; minus strand). Cytogenetic location: 7q21.11.
Variant type: single nucleotide variant.
Coding change: c.555T>C on transcript NM_006379.5 (MANE Select); coding-DNA position 555, T replaced by C.
Protein change: p.Ser185=; no amino-acid change (serine 185 retained).
Molecular consequence: synonymous variant.
Genome position (GRCh38, 1-based): chr7:80,805,742, A>G on the plus strand (T>C on the coding strand, the complement: SEMA3C is on the minus strand). VCF-style: chr7-80805742-A-G. GRCh37 (hg19) VCF-style: chr7-80435058-A-G.
Other names: c.609T>C, p.Ser203= (NM_001350120.2); c.381T>C, p.Ser127= (NM_001350121.2).
Identifiers: ClinVar variation 3036399 (VCV003036399.2), dbSNP rs1256994736, ClinGen allele CA456125774.
Genomic context (GRCh38, chr7:80,805,742, plus strand): 5'-CCTCTTGGTTAAACTTCGAAAAATAGCAGCATCTGTCCCCATGAAATCTATATACATTCC[A>G]GAGAAAAGCTCCTCATCTATGAAAAAGAAAATATCAATGAAATGTAAATTTTTAAAGCTA-3'
Protein context (NP_006370.1, residues 175-195): VSVMINEELF[Ser185=]GMYIDFMGTD